The following is an entry in ClinVar:

NM_000271.5(NPC1):c.2131-5T>A

Gene: NPC1 (NPC intracellular cholesterol transporter 1; minus strand). Cytogenetic location: 18q11.2.
Variant type: single nucleotide variant.
Coding change: c.2131-5T>A on transcript NM_000271.5 (MANE Select); 5 bases into the intron before coding-DNA position 2131, T replaced by A.
Molecular consequence: intron variant.
Genome position (GRCh38, 1-based): chr18:23,543,574, A>T on the plus strand (T>A on the coding strand, the complement: NPC1 is on the minus strand). VCF-style: chr18-23543574-A-T. GRCh37 (hg19) VCF-style: chr18-21123538-A-T.
Identifiers: ClinVar variation 3049279 (VCV003049279.2), dbSNP rs2058742743, ClinGen allele CA2290167668.

ClinVar aggregate classification (germline): Likely benign (0 of 4 stars; one submission).

Conditions:
NPC1-related disorder. Also called: NPC1-related condition.

Submission:

PreventionGenetics, part of Exact Sciences
Classification: Likely benign for NPC1-related condition. Last evaluated: 2022-07-29. Review status: no assertion criteria provided. Collection method: clinical testing. Allele origin: germline.
Comment: This variant is classified as likely benign based on ACMG/AMP sequence variant interpretation guidelines (Richards et al. 2015 PMID: 25741868, with internal and published modifications).